The following is an entry in ClinVar:

ClinVar aggregate classification (germline): Uncertain significance. Review status: criteria provided, multiple submitters, no conflicts (2 of 4 stars). 2 submissions from 2 submitters: Uncertain significance (2). Last evaluated 2025-01-13.

Conditions:
Hereditary cancer-predisposing syndrome. Also called: Tumor predisposition; Neoplastic Syndromes, Hereditary; Hereditary neoplastic syndrome; Hereditary Cancer Syndrome. Identifiers: Orphanet 140162, MedGen C0027672, MeSH D009386, MONDO:0015356.
Familial melanoma. Also called: Hereditary melanoma; Hereditary cutaneous melanoma. Identifiers: Orphanet 618, MedGen C1512419, MONDO:0018961.

Allele frequency attached by ClinVar (database versions not stated): gnomAD 0.00001.

Submissions (2):

Ambry Genetics
Classification: Uncertain significance for Hereditary cancer-predisposing syndrome. Last evaluated: 2025-01-13. Review status: criteria provided, single submitter. Criteria: Ambry Variant Classification Scheme 2023. Collection method: clinical testing. Allele origin: germline.
Comment: The p.V39A variant (also known as c.116T>C), located in coding exon 1 of the CDK4 gene, results from a T to C substitution at nucleotide position 116. The valine at codon 39 is replaced by alanine, an amino acid with similar properties. This amino acid position is highly conserved in available vertebrate species. In addition, the in silico prediction for this alteration is inconclusive. Based on the available evidence, the clinical significance of this variant remains unclear.

Labcorp Genetics (formerly Invitae), Labcorp
Classification: Uncertain significance for Familial melanoma. Last evaluated: 2024-11-24. Review status: criteria provided, single submitter. Criteria: Invitae Variant Classification Sherloc (09022015). Collection method: clinical testing. Allele origin: germline.
Comment: This sequence change replaces valine, which is neutral and non-polar, with alanine, which is neutral and non-polar, at codon 39 of the CDK4 protein (p.Val39Ala). This variant is not present in population databases (gnomAD no frequency). This variant has not been reported in the literature in individuals affected with CDK4-related conditions. ClinVar contains an entry for this variant (Variation ID: 1019806). Invitae Evidence Modeling of protein sequence and biophysical properties (such as structural, functional, and spatial information, amino acid conservation, physicochemical variation, residue mobility, and thermodynamic stability) indicates that this missense variant is not expected to disrupt CDK4 protein function with a negative predictive value of 95%. In summary, the available evidence is currently insufficient to determine the role of this variant in disease. Therefore, it has been classified as a Variant of Uncertain Significance.

NM_000075.4(CDK4):c.116T>C (p.Val39Ala)

Gene: CDK4 (cyclin dependent kinase 4; minus strand). Cytogenetic location: 12q14.1.
Variant type: single nucleotide variant.
Coding change: c.116T>C on transcript NM_000075.4 (MANE Select); coding-DNA position 116, T replaced by C.
Protein change: p.Val39Ala; replaces valine 39 with alanine.
Molecular consequence: missense variant.
Genome position (GRCh38, 1-based): chr12:57,751,602, A>G on the plus strand (T>C on the coding strand, the complement: CDK4 is on the minus strand). VCF-style: chr12-57751602-A-G. GRCh37 (hg19) VCF-style: chr12-58145385-A-G.
Other names: c.116T>C (NM_000075.3); short protein forms V39A.
Identifiers: ClinVar variation 1019806 (VCV001019806.9), dbSNP rs1955238404, ClinGen allele CA385548808.